The following is an entry in ClinVar:

ClinVar aggregate classification (germline): Pathogenic. Review status: criteria provided, multiple submitters, no conflicts (2 of 4 stars). 4 submissions from 4 submitters: Pathogenic (3). 1 of the submissions does not count toward it. Last evaluated 2024-11-15.

Conditions:
Cone-rod dystrophy. Also called: Cone-rod degeneration; Cone/cone-rod dystrophy. Identifiers: Orphanet 1872, MedGen C4085590, MONDO:0015993, HP:0000548.

Allele frequency attached by ClinVar (database versions not stated): gnomAD exomes below 0.00001.
gnomAD v4.1: 1 of 1,614,204 alleles (0.000062%); highest among the groups gnomAD compares: Middle Eastern, 0.016%; no homozygotes.

Submissions (4):

GeneDx
Classification: Pathogenic. Last evaluated: 2024-11-15. Review status: criteria provided, single submitter. Criteria: GeneDx Variant Classification Process June 2021. Collection method: clinical testing. Allele origin: germline. Affected: yes.
Comment: Nonsense variant predicted to result in protein truncation or nonsense mediated decay in a gene for which loss of function is a known mechanism of disease; Not observed at significant frequency in large population cohorts (gnomAD); This variant is associated with the following publications: (PMID: 34426522, 37734845, 31456290, 23044944, 25515582, 38465142)

Labcorp Genetics (formerly Invitae), Labcorp
Classification: Pathogenic. Last evaluated: 2020-10-30. Review status: criteria provided, single submitter. Criteria: Invitae Variant Classification Sherloc (09022015). Collection method: clinical testing. Allele origin: germline.
Comment: For these reasons, this variant has been classified as Pathogenic. This variant has been observed in individual(s) with autosomal recessive inherited retinal dystrophy (PMID: 23044944). It has also been observed to segregate with disease in related individuals. ClinVar contains an entry for this variant (Variation ID: 812261). This variant is not present in population databases (ExAC no frequency). This sequence change creates a premature translational stop signal (p.Gln461*) in the CDHR1 gene. It is expected to result in an absent or disrupted protein product. Loss-of-function variants in CDHR1 are known to be pathogenic (PMID: 23044944, 23591405, 26103963, 26261414).

Institute of Medical Genetics and Applied Genomics, University Hospital Tübingen
Classification: Pathogenic. Last evaluated: 2020-10-23. Review status: criteria provided, single submitter. Criteria: ACMG Guidelines, 2015. Collection method: clinical testing. Allele origin: germline. Inheritance: Autosomal recessive inheritance. Affected: yes.

Sharon lab, Hadassah-Hebrew University Medical Center
Classification: Pathogenic for Cone-rod degeneration. Last evaluated: 2019-06-23. Review status: no assertion criteria provided. Collection method: research. Allele origin: inherited. Affected: yes. Not counted in ClinVar's aggregate classification.

Literature cited by the submitters: PubMed 23044944 (cited by Labcorp Genetics (formerly Invitae), Labcorp); PubMed 23591405 (cited by Labcorp Genetics (formerly Invitae), Labcorp); PubMed 26103963 (cited by Labcorp Genetics (formerly Invitae), Labcorp); PubMed 26261414 (cited by Labcorp Genetics (formerly Invitae), Labcorp).

NM_033100.4(CDHR1):c.1381C>T (p.Gln461Ter)

Gene: CDHR1 (cadherin related family member 1; plus strand). Cytogenetic location: 10q23.1.
Variant type: single nucleotide variant.
Coding change: c.1381C>T on transcript NM_033100.4 (MANE Select); coding-DNA position 1381, C replaced by T.
Protein change: p.Gln461Ter; replaces glutamine 461 with a stop codon.
Molecular consequence: nonsense.
Genome position (GRCh38, 1-based): chr10:84,211,061, C>T. VCF-style: chr10-84211061-C-T. GRCh37 (hg19) VCF-style: chr10-85970817-C-T.
Other names: c.1381C>T, p.Gln461Ter (NM_001171971.3); c.1381C>T (NM_033100.3); short protein forms Q461*.
Identifiers: ClinVar variation 812261 (VCV000812261.13), dbSNP rs1589306127, ClinGen allele CA377376746.